The following is an entry in ClinVar:

ClinVar aggregate classification (germline): Uncertain significance (1 of 4 stars; one submission).

Conditions:
Pontocerebellar hypoplasia type 9. Identifiers: Orphanet 369920, MedGen C4014354, MONDO:0014351, OMIM 615809.
Hereditary spastic paraplegia 63. Also called: Spastic paraplegia 63, autosomal recessive. Identifiers: Orphanet 401805, MedGen C3810295, MONDO:0014305, OMIM 615686.

Submission:

Labcorp Genetics (formerly Invitae), Labcorp
Classification: Uncertain significance for Pontocerebellar hypoplasia type 9; Hereditary spastic paraplegia 63. Last evaluated: 2022-02-08. Review status: criteria provided, single submitter. Criteria: Invitae Variant Classification Sherloc (09022015). Collection method: clinical testing. Allele origin: germline.
Comment: In summary, the available evidence is currently insufficient to determine the role of this variant in disease. Therefore, it has been classified as a Variant of Uncertain Significance. Algorithms developed to predict the effect of missense changes on protein structure and function are either unavailable or do not agree on the potential impact of this missense change (SIFT: "Deleterious"; PolyPhen-2: "Possibly Damaging"; Align-GVGD: "Class C0"). This variant has not been reported in the literature in individuals affected with AMPD2-related conditions. This variant is not present in population databases (gnomAD no frequency). This sequence change replaces valine, which is neutral and non-polar, with alanine, which is neutral and non-polar, at codon 446 of the AMPD2 protein (p.Val446Ala).

NM_001368809.2(AMPD2):c.1175T>C (p.Val392Ala)

Genes: AMPD2 (adenosine monophosphate deaminase 2; plus strand), LOC126805822 (BRD4-independent group 4 enhancer GRCh37_chr1:110170748-110171947; plus strand). Cytogenetic location: 1p13.3.
Variant type: single nucleotide variant.
Coding change: c.1175T>C on transcript NM_001368809.2 (MANE Select); coding-DNA position 1175, T replaced by C.
Protein change: p.Val392Ala; replaces valine 392 with alanine.
Molecular consequence: missense variant.
Genome position (GRCh38, 1-based): chr1:109,628,177, T>C. VCF-style: chr1-109628177-T-C. GRCh37 (hg19) VCF-style: chr1-110170799-T-C.
Other names: c.1337T>C, p.Val446Ala (NM_001257360.2); c.983T>C, p.Val328Ala (NM_001257361.2); c.1112T>C, p.Val371Ala (NM_001308170.1); c.1175T>C, p.Val392Ala (NM_004037.9); c.1094T>C, p.Val365Ala (NM_139156.4); short protein forms V371A, V392A, V328A, V365A, V446A.
Identifiers: ClinVar variation 2068604 (VCV002068604.4), dbSNP rs2524413071, ClinGen allele CA341558022.